The following is an entry in ClinVar:

NC_000007.13:g.(107303881_107312582)_(107315555_107323646)del

Gene: SLC26A4 (solute carrier family 26 member 4; plus strand). Cytogenetic location: 7q22.3.
Variant type: Deletion.
Identifiers: ClinVar variation 3063653 (VCV003063653.1).

ClinVar aggregate classification (germline): Pathogenic (1 of 4 stars; one submission).

Conditions:
Pendred syndrome (PDS). Also called: GOITER-DEAFNESS SYNDROME; HYPOTHYROIDISM, CONGENITAL, DUE TO DYSHORMONOGENESIS, 2B; DEAFNESS WITH GOITER; Pendred Syndrome (PDS); Pendred's syndrome; THYROID DYSHORMONOGENESIS 2B. Identifiers: Orphanet 705, MedGen C0271829, MONDO:0010134, OMIM 274600.

Submission:

Women's Health and Genetics/Laboratory Corporation of America, LabCorp
Classification: Pathogenic for Pendred syndrome. Last evaluated: 2024-01-03. Review status: criteria provided, single submitter. Criteria: LabCorp Variant Classification Summary - May 2015. Collection method: clinical testing. Allele origin: germline.
Comment: Variant summary: The variant involves the deletion of exons 4-6 in the SLC26A4 gene. A presumed nomenclature of c.(304+1_305-1)_(765+1_766-1)del has been designated for the purposes of this classification. This Copy Number Variant (CNV) is expected to alter the reading frame and predicted to result in a truncation or absence of the encoded protein due to nonsense mediated decay (NMD). The variant was absent in 21692 control chromosomes (gnomAD Structural Variants dataset). c.(304+1_305-1)_(765+1_766-1)del has been reported in the literature in individuals affected with Pendred Syndrome (examples: Pique_2014, and Pera_2008). To our knowledge, no experimental evidence demonstrating an impact on protein function has been reported. The following publications have been ascertained in the context of this evaluation (PMID: 24860705, 18285825). One submitter has cited clinical-significance assessments for this variant to ClinVar after 2014 and has classified the variant as pathogenic. Based on the evidence outlined above, the variant was classified as pathogenic.

Literature cited by the submitters: PubMed 18285825; PubMed 24860705.